The following is an entry in ClinVar:

ClinVar aggregate classification (germline): Uncertain significance. Review status: criteria provided, multiple submitters, no conflicts (2 of 4 stars). 3 submissions from 3 submitters: Uncertain significance (3). Last evaluated 2026-02-17.

Conditions:
Hereditary cancer-predisposing syndrome. Also called: Neoplastic Syndromes, Hereditary; Hereditary Cancer Syndrome; Hereditary neoplastic syndrome; Tumor predisposition. Identifiers: Orphanet 140162, MedGen C0027672, MeSH D009386, MONDO:0015356.
Cardiovascular phenotype. Identifiers: MedGen CN230736.

gnomAD v4.1: 1 of 1,613,754 alleles (0.000062%); highest among the groups gnomAD compares: South Asian, 0.0011%; no homozygotes.

Submissions (3):

Women's Health and Genetics/Laboratory Corporation of America, LabCorp
Classification: Uncertain significance. Last evaluated: 2026-02-17. Review status: criteria provided, single submitter. Criteria: LabCorp Variant Classification Summary - May 2015. Collection method: clinical testing. Allele origin: germline.
Comment: Variant summary: LZTR1 c.2101C>A (p.Pro701Thr) results in a non-conservative amino acid change in the encoded protein sequence. Algorithms developed to predict the effect of missense changes on protein structure and function are either unavailable or do not agree on the potential impact of this missense change. The variant was absent in 251274 control chromosomes. The available data on variant occurrences in the general population are insufficient to allow any conclusion about variant significance. c.2101C>A has been observed in at least one individual with neurodevelopmental delay and an unicommissural aortic valve, without strong evidence of causality (example: Sierant_2025). This report does not provide unequivocal conclusions about association of the variant with Noonan Syndrome 2. To our knowledge, no experimental evidence demonstrating an impact on protein function has been reported. The following publication has been ascertained in the context of this evaluation (PMID: 40127276). ClinVar contains an entry for this variant (Variation ID: 1785919). Based on the evidence outlined above, the variant was classified as uncertain significance.

Ambry Genetics
Classification: Uncertain significance for Cardiovascular phenotype; Hereditary cancer-predisposing syndrome. Last evaluated: 2025-11-10. Review status: criteria provided, single submitter. Criteria: Ambry Variant Classification Scheme 2023. Collection method: clinical testing. Allele origin: germline.

Labcorp Genetics (formerly Invitae), Labcorp
Classification: Uncertain significance. Last evaluated: 2025-08-02. Review status: criteria provided, single submitter. Criteria: Invitae Variant Classification Sherloc (09022015). Collection method: clinical testing. Allele origin: germline.
Comment: This sequence change replaces proline, which is neutral and non-polar, with threonine, which is neutral and polar, at codon 701 of the LZTR1 protein (p.Pro701Thr). This variant is not present in population databases (gnomAD no frequency). This variant has not been reported in the literature in individuals affected with LZTR1-related conditions. ClinVar contains an entry for this variant (Variation ID: 1785919). Invitae Evidence Modeling of protein sequence and biophysical properties (such as structural, functional, and spatial information, amino acid conservation, physicochemical variation, residue mobility, and thermodynamic stability) indicates that this missense variant is not expected to disrupt LZTR1 protein function with a negative predictive value of 80%. In summary, the available evidence is currently insufficient to determine the role of this variant in disease. Therefore, it has been classified as a Variant of Uncertain Significance.

Literature cited by the submitters: PubMed 40127276 (cited by Women's Health and Genetics/Laboratory Corporation of America, LabCorp).

NM_006767.4(LZTR1):c.2101C>A (p.Pro701Thr)

Gene: LZTR1 (leucine zipper like post translational regulator 1; plus strand). Cytogenetic location: 22q11.21.
Variant type: single nucleotide variant.
Coding change: c.2101C>A on transcript NM_006767.4 (MANE Select); coding-DNA position 2101, C replaced by A.
Protein change: p.Pro701Thr; replaces proline 701 with threonine.
Molecular consequence: missense variant.
Genome position (GRCh38, 1-based): chr22:20,995,994, C>A. VCF-style: chr22-20995994-C-A. GRCh37 (hg19) VCF-style: chr22-21350283-C-A.
Other names: short protein forms P701T.
Identifiers: ClinVar variation 1785919 (VCV001785919.7), dbSNP rs1215936951, ClinGen allele CA410779305.